The following is an entry in ClinVar:

NM_194454.3(KRIT1):c.729+2T>G

Gene: KRIT1 (KRIT1 ankyrin repeat containing; minus strand). Cytogenetic location: 7q21.2.
Variant type: single nucleotide variant.
Coding change: c.729+2T>G on transcript NM_194454.3 (MANE Select); the canonical splice donor site of the intron after coding-DNA position 729, T replaced by G.
Molecular consequence: splice donor variant. On other transcripts: intron variant (1).
Genome position (GRCh38, 1-based): chr7:92,235,401, A>C on the plus strand (T>G on the coding strand, the complement: KRIT1 is on the minus strand). VCF-style: chr7-92235401-A-C. GRCh37 (hg19) VCF-style: chr7-91864715-A-C.
Other names: c.729+2T>G (NM_001350672.1, NM_001350676.1, NM_001350673.1 and 29 more transcripts); c.15+133T>G (NM_001350671.1).
Identifiers: ClinVar variation 2842172 (VCV002842172.3), dbSNP rs1554528541, ClinGen allele CA368159244.

ClinVar aggregate classification (germline): Pathogenic (1 of 4 stars; one submission).

Conditions:
Cerebral cavernous malformation (CCM). Also called: Cerebral cavernous hemangioma (type); Cerebral cavernous malformations; Cavernous Hemangioma of Brain; CAVERNOUS ANGIOMA, FAMILIAL; CAVERNOUS ANGIOMATOUS MALFORMATIONS; CEREBRAL CAPILLARY MALFORMATIONS. Identifiers: Orphanet 221061, MedGen C2919945, MONDO:0000820, OMIM 116860, HP:0033522.

Submission:

Labcorp Genetics (formerly Invitae), Labcorp
Classification: Pathogenic for Cerebral cavernous malformation. Last evaluated: 2023-03-02. Review status: criteria provided, single submitter. Criteria: Invitae Variant Classification Sherloc (09022015). Collection method: clinical testing. Allele origin: germline.
Comment: For these reasons, this variant has been classified as Pathogenic. Algorithms developed to predict the effect of sequence changes on RNA splicing suggest that this variant may disrupt the consensus splice site. Disruption of this splice site has been observed in individual(s) with cerebral cavernous malformations (PMID: 28645800). This variant is not present in population databases (gnomAD no frequency). This sequence change affects a donor splice site in intron 9 of the KRIT1 gene. It is expected to disrupt RNA splicing. Variants that disrupt the donor or acceptor splice site typically lead to a loss of protein function (PMID: 16199547), and loss-of-function variants in KRIT1 are known to be pathogenic (PMID: 10508515, 11222804, 12404106, 24689081).

Literature cited by the submitters: PubMed 28645800; PubMed 16199547; PubMed 10508515; PubMed 11222804; PubMed 12404106; PubMed 24689081.